The following is an entry in ClinVar:

NM_004646.4(NPHS1):c.2928G>T (p.Arg976Ser)

Gene: NPHS1 (NPHS1 adhesion molecule, nephrin; minus strand). Cytogenetic location: 19q13.12.
Variant type: single nucleotide variant.
Coding change: c.2928G>T on transcript NM_004646.4 (MANE Select); coding-DNA position 2928, G replaced by T.
Protein change: p.Arg976Ser; replaces arginine 976 with serine.
Molecular consequence: missense variant.
Genome position (GRCh38, 1-based): chr19:35,839,418, C>A on the plus strand (G>T on the coding strand, the complement: NPHS1 is on the minus strand). VCF-style: chr19-35839418-C-A. GRCh37 (hg19) VCF-style: chr19-36330320-C-A.
Other names: short protein forms R976S.
Identifiers: ClinVar variation 188761 (VCV000188761.34), dbSNP rs138656762, ClinGen allele CA250310.

ClinVar aggregate classification (germline): Pathogenic. Review status: criteria provided, multiple submitters, no conflicts (2 of 4 stars). 13 submissions from 12 submitters: Pathogenic (11). 2 of the submissions do not count toward it. Last evaluated 2026-01-23.

Conditions:
NPHS1-related disorder. Also called: NPHS1-related condition.
Nephrotic syndrome. Identifiers: MedGen C0027726, MONDO:0005377, HP:0000100.
Finnish congenital nephrotic syndrome (NPHS1). Also called: NEPHROTIC SYNDROME, TYPE 1. Identifiers: Orphanet 839, MedGen C0403399, MONDO:0009732, OMIM 256300.
Focal segmental glomerulosclerosis (FSGS). Also called: Glomerulosclerosis, focal; Focal sclerosis with hyalinosis. Identifiers: MedGen C0017668, MONDO:0100313, HP:0000097. Disease mechanism: loss of function.

Allele frequency attached by ClinVar (database versions not stated): gnomAD 0.00004 and 0.00005; gnomAD exomes 0.00004; TOPMed 0.00006; ExAC 0.00007; ESP Exome Variant Server 0.00015; 1000 Genomes Project 30x 0.00016; 1000 Genomes Project 0.00020.
gnomAD v4.1: 77 of 1,614,112 alleles (0.0048%); highest among the groups gnomAD compares: Admixed American, 0.013%; no homozygotes.

Submissions (13):

PreventionGenetics, part of Exact Sciences
Classification: Pathogenic for NPHS1-related condition. Last evaluated: 2026-01-23. Review status: criteria provided, single submitter. Criteria: ACMG Guidelines, 2015. Collection method: clinical testing. Allele origin: germline.
Comment: The NPHS1 c.2928G>T variant is predicted to result in the amino acid substitution p.Arg976Ser. This variant is located at the first base of an exon and is predicted to diminish the signal of the canonical splice site nearby (Alamut Visual Plus v1.6.1). This variant has been reported in the homozygous and compound heterozygous states in several individuals with nephrotic syndrome (see for example, Philippe et al. 2008. PubMed ID: 18614772; Lovric et al. 2014. PubMed ID: 24742477; Schoeb et al. 2010. PubMed ID: 20172850; Supplementary Table 1-2, Santín et al. 2011. PubMed ID: 21415313). This variant is listed as pathogenic or likely pathogenic by many clinical laboratories in ClinVar (Variation ID: 188761). This variant is reported in 0.014% of alleles in individuals of Latino descent in gnomAD. This variant is interpreted as pathogenic.

Labcorp Genetics (formerly Invitae), Labcorp
Classification: Pathogenic. Last evaluated: 2025-11-28. Review status: criteria provided, single submitter. Criteria: Invitae Variant Classification Sherloc (09022015). Collection method: clinical testing. Allele origin: germline.
Comment: This sequence change replaces arginine, which is basic and polar, with serine, which is neutral and polar, at codon 976 of the NPHS1 protein (p.Arg976Ser). This variant is present in population databases (rs138656762, gnomAD 0.01%). This missense change has been observed in individual(s) with nephrotic syndrome (PMID: 18614772, 20172850, 24742477, 29474669). In at least one individual the data is consistent with being in trans (on the opposite chromosome) from a pathogenic variant. It has also been observed to segregate with disease in related individuals. ClinVar contains an entry for this variant (Variation ID: 188761). An algorithm developed to predict the effect of missense changes on protein structure and function (PolyPhen-2) suggests that this variant is likely to be disruptive. Algorithms developed to predict the effect of sequence changes on RNA splicing suggest that this variant may disrupt the consensus splice site. For these reasons, this variant has been classified as Pathogenic.

Natera, Inc.
Classification: Pathogenic for Finnish congenital nephrotic syndrome. Last evaluated: 2025-10-09. Review status: criteria provided, single submitter. Criteria: Natera Variant Classification Schema (03/2026). Collection method: clinical testing. Allele origin: germline.
Comment: The c.2928G>T variant in NPHS1 is a missense variant predicted to cause substitution of arginine to serine at amino acid 976. This variant is rare in the general population with a frequency below the threshold expected for the associated phenotype(s). This variant has been observed in one or more individuals affected with the associated recessive disease, as either homozygous or compound heterozygous with a second variant (PMID: 24742477, 28844315, 19812541, 29801666). Computational prediction algorithms indicate this variant is likely to affect gene or protein function. Given the available evidence, this variant is classified as Pathogenic.

Blueprint Genetics
Classification: Pathogenic for NPHS1-related disorders. Last evaluated: 2024-07-11. Review status: criteria provided, single submitter. Criteria: ACMG Guidelines, 2015. Collection method: clinical testing. Allele origin: germline. Affected: yes. Observed: 5 variant alleles.

Fulgent Genetics
Classification: Pathogenic for Finnish congenital nephrotic syndrome. Last evaluated: 2024-03-25. Review status: criteria provided, single submitter. Criteria: ACMG Guidelines, 2015. Collection method: clinical testing. Allele origin: germline.

GeneDx
Classification: Pathogenic. Last evaluated: 2022-12-06. Review status: criteria provided, single submitter. Criteria: GeneDx Variant Classification Process June 2021. Collection method: clinical testing. Allele origin: germline. Affected: yes.
Comment: Not observed at significant frequency in large population cohorts (gnomAD); In silico analysis supports that this missense variant has a deleterious effect on protein structure/function; This variant is associated with the following publications: (PMID: 18614772, 30647093, 31980526, 31589614, 21415313, 19812541, 20172850, 20507940, 21782134, 20333530, 28844315, 29992269, 27019444, 24902943, 24742477, 29474669)

Dasa
Classification: Pathogenic for Finnish congenital nephrotic syndrome. Last evaluated: 2022-06-10. Review status: criteria provided, single submitter. Criteria: ACMG Guidelines, 2015. Collection method: clinical testing. Allele origin: germline. Affected: yes. Observed: 1 variant allele.
Comment: The c.2928G>T;p.(Arg976Ser) missense change has been observed in affected individual(s) and ClinVar contains an entry for this variant (Clinvar Id: 188761; PMID: 27019444; 18614772; 24742477; 24902943) - PS4. The variant is present at low allele frequencies population databases (rs138656762– gnomAD 0.0004600%; ABraOM no frequency) -PM2_supporting. The p.(Arg976Ser) was detected in trans with a Pathogenic variant (PMID: 18614772; 24742477; 24902943) - PM3_strong. In summary, the currently available evidence indicates that the variant is Pathogenic

UNC Molecular Genetics  Laboratory, University of North Carolina at Chapel Hill
Classification: Pathogenic for Nephrotic syndrome. Last evaluated: 2022-04-04. Review status: criteria provided, single submitter. Criteria: ACMG Guidelines, 2015. Collection method: clinical testing. Allele origin: germline. Affected: yes. Observed: 1 compound heterozygote.

UNC Molecular Genetics  Laboratory, University of North Carolina at Chapel Hill
Classification: Pathogenic for Focal segmental glomerulosclerosis. Last evaluated: 2019-03-07. Review status: criteria provided, single submitter. Criteria: ACMG Guidelines, 2015. Collection method: clinical testing. Allele origin: germline. Affected: yes. Observed: 2 homozygotes.

Illumina Laboratory Services, Illumina
Classification: Pathogenic for Finnish congenital nephrotic syndrome. Last evaluated: 2018-10-08. Review status: criteria provided, single submitter. Criteria: ICSL Variant Classification Criteria 09 May 2019. Collection method: clinical testing. Allele origin: germline.
Comment: The NPHS1 c.2928G>T (p.Arg976Ser) variant has been reported across three studies in a total of ten probands in a compound heterozygous state with a diagnosis of steroid resistant nephrogenic syndrome or congenital nephrotic syndrome (Philippe et al. 2008; Santin et al. 2009; Schoeb et al. 2010). Control data are unavailable for this variant, which is reported at a frequency of 0.0002in the European population of the 1000 Genomes Project. In vitro exon trapping experiments are suggestive of the p.Arg976Ser variant causing altered splicing that excludes exon 22 from the NPHS1 transcript (Philippe et al. 2008). Based on the evidence, the p.Arg976Ser variant is classified as pathogenic for congenital nephrotic syndrome. This variant was observed by ICSL as part of a predisposition screen in an ostensibly healthy population.

Women's Health and Genetics/Laboratory Corporation of America, LabCorp
Classification: Pathogenic for Finnish congenital nephrotic syndrome. Last evaluated: 2017-08-10. Review status: criteria provided, single submitter. Criteria: LabCorp Variant Classification Summary - May 2015. Collection method: clinical testing. Allele origin: germline.
Comment: Variant summary: The NPHS1 c.2928G>T (p.Arg976Ser) variant involves the alteration of a non-conserved nucleotide, resulting in a missense change in the fibronectin type III and immunoglobulin-like domains (InterPro). 4/4 in silico tools predict a damaging outcome for this variant (SNPsandGO not captured due to low reliability index). The variant is the first nucleotide at the intron 21-exon 22 junction and 5/5 splice prediction tools predict a significant impact on normal splicing. These predictions are supported by a functional study, where exon 22 was found to be constitutively skipped in the presence of the variant via mini-gene assay. However, this in vitro result was not confirmed in vivo due to lack of patient samples (Philippe_JASN_2008). The same study showed that trafficking of nephrin (encoded by NPHS1) to the cell membrane was not altered by the variant. In the literature, numerous patients with end-stage renal failure (ESRF), minimal-change glomerulonephritis (MCNS), and focal segmental glomerulosclerosis (FSGS) have been found to carry the variant, mostly in compound heterozygosity. This variant was found in the large control database ExAC and in control cohorts from the literature at a frequency of 0.0000657 (8/121742 control chromosomes), which does not exceed the estimated maximal expected allele frequency of a pathogenic NPHS1 variant (0.0033541). One clinical diagnostic laboratory and one reputable database have classified this variant as likely pathogenic or pathogenic. Taken together, this variant is classified as pathogenic.

Sydney Genome Diagnostics, Children's Hospital Westmead
Classification: Pathogenic for Nephrotic syndrome. Last evaluated: 2018-08-28. Review status: no assertion criteria provided. Collection method: clinical testing. Allele origin: unknown. Affected: yes. Observed: 1 variant allele, 1 compound heterozygote. Not counted in ClinVar's aggregate classification.
Comment: This variant (dbSNP: rs138656762) has been previously reported in patients with congenital nephrotic syndrome of Finnish type (NPHS1) in the literature (Philippe et al 2008 J Am Soc Nephrol 19:1871-1878; Santin et al 2009 Kidney Int 76:1268-1276; Schoeb et al 2010 Nephrol Dial Transplant 25:2970-2976).

Counsyl
Classification: Likely pathogenic for Finnish congenital nephrotic syndrome. Last evaluated: 2014-04-16. Review status: no assertion criteria provided. Collection method: literature only. Allele origin: unknown. Inheritance: Autosomal recessive inheritance. Not counted in ClinVar's aggregate classification.

Literature cited by the submitters: PubMed 18614772 (cited by 6 submitters); PubMed 20172850 (cited by 4 submitters); PubMed 24742477 (cited by 4 submitters); PubMed 29474669 (cited by Labcorp Genetics (formerly Invitae), Labcorp); PubMed 28844315 (cited by Natera, Inc.); PubMed 19812541 (cited by 4 submitters); PubMed 29801666 (cited by Natera, Inc.); PubMed 27019444 (cited by Dasa and Women's Health and Genetics/Laboratory Corporation of America, LabCorp); PubMed 24902943 (cited by 3 submitters); PubMed 20507940 (cited by Women's Health and Genetics/Laboratory Corporation of America, LabCorp); PubMed 21415313 (cited by Counsyl).